The following is an entry in ClinVar:

NM_001354604.2(MITF):c.1216C>T (p.Leu406Phe)

Gene: MITF (melanocyte inducing transcription factor; plus strand). Cytogenetic location: 3p13.
Variant type: single nucleotide variant.
Coding change: c.1216C>T on transcript NM_001354604.2 (MANE Select); coding-DNA position 1216, C replaced by T.
Protein change: p.Leu406Phe; replaces leucine 406 with phenylalanine.
Molecular consequence: missense variant.
Genome position (GRCh38, 1-based): chr3:69,964,883, C>T. VCF-style: chr3-69964883-C-T. GRCh37 (hg19) VCF-style: chr3-70014034-C-T.
Other names: c.895C>T, p.Leu299Phe (NM_000248.4); c.1042C>T, p.Leu348Phe (NM_001184967.2, NM_001354608.2); c.1213C>T, p.Leu405Phe (NM_001354605.2); c.1195C>T, p.Leu399Phe (NM_001354606.2, NM_006722.3); c.1147C>T, p.Leu383Phe (NM_001354607.2); c.877C>T, p.Leu293Phe (NM_198158.3); c.1198C>T, p.Leu400Phe (NM_198159.3); c.1150C>T, p.Leu384Phe (NM_198177.3); and 1 more; short protein forms L237F, L293F, L299F, L348F, L383F, L384F, L399F, L400F.
Identifiers: ClinVar variation 1313186 (VCV001313186.8), dbSNP rs772956737, ClinGen allele CA2490625.

ClinVar aggregate classification (germline): Uncertain significance. Review status: criteria provided, multiple submitters, no conflicts (2 of 4 stars). 2 submissions from 2 submitters: Uncertain significance (2). Last evaluated 2026-09-02.

Conditions:
Tietz syndrome (TADS). Also called: ALBINISM-DEAFNESS OF TIETZ; HYPOPIGMENTATION/DEAFNESS OF TIETZ; TIETZ ALBINISM-DEAFNESS SYNDROME. Identifiers: Orphanet 42665, MedGen C0391816, MONDO:0007077, OMIM 103500.
Waardenburg syndrome type 2A (WS2A). Also called: WAARDENBURG SYNDROME WITHOUT DYSTOPIA CANTHORUM. Identifiers: Orphanet 3440, MedGen C1860339, MONDO:0008671, OMIM 193510.
Melanoma, cutaneous malignant, susceptibility to, 8. Also called: MELANOMA AND RENAL CELL CARCINOMA, SUSCEPTIBILITY TO; Cutaneous malignant melanoma 8. Identifiers: Orphanet 293822, MedGen C3152204, MONDO:0013759, OMIM 614456.

Allele frequency attached by ClinVar (database versions not stated): gnomAD exomes 0.00001 and 0.00002; ExAC 0.00002.

Submissions (2):

GeneDx
Classification: Uncertain significance. Last evaluated: 2026-09-02. Review status: criteria provided, single submitter. Criteria: GeneDx Variant Classification Process June 2021. Collection method: clinical testing. Allele origin: germline.
Comment: In silico analysis suggests that this missense variant does not alter protein structure/function; Has not been previously published as pathogenic or benign to our knowledge; This variant is associated with the following publications: (PMID: 8659547)

Labcorp Genetics (formerly Invitae), Labcorp
Classification: Uncertain significance for Melanoma, cutaneous malignant, susceptibility to, 8; Waardenburg syndrome type 2A; Tietz syndrome. Last evaluated: 2025-12-28. Review status: criteria provided, single submitter. Criteria: Invitae Variant Classification Sherloc (09022015). Collection method: clinical testing. Allele origin: germline.
Comment: This sequence change replaces leucine, which is neutral and non-polar, with phenylalanine, which is neutral and non-polar, at codon 299 of the MITF protein (p.Leu299Phe). This variant is present in population databases (rs772956737, gnomAD 0.003%). This variant has not been reported in the literature in individuals affected with MITF-related conditions. ClinVar contains an entry for this variant (Variation ID: 1313186). Invitae Evidence Modeling of protein sequence and biophysical properties (such as structural, functional, and spatial information, amino acid conservation, physicochemical variation, residue mobility, and thermodynamic stability) has been performed for this missense variant. However, the output from this modeling did not meet the statistical confidence thresholds required to predict the impact of this variant on MITF protein function. In summary, the available evidence is currently insufficient to determine the role of this variant in disease. Therefore, it has been classified as a Variant of Uncertain Significance.